The following is an entry in ClinVar:

ClinVar aggregate classification (germline): Uncertain significance. Review status: criteria provided, multiple submitters, no conflicts (2 of 4 stars). 4 submissions from 4 submitters: Uncertain significance (4). Last evaluated 2026-04-07.

Conditions:
Osteogenesis imperfecta type I (OI1). Also called: OI, TYPE I; OSTEOGENESIS IMPERFECTA TARDA; OSTEOGENESIS IMPERFECTA WITH BLUE SCLERAE; Osteogenesis imperfecta type 1; Lobstein's Disease; Lobstein disease. Identifiers: Orphanet 216796, Orphanet 666, MedGen C0023931, MONDO:0008146, OMIM 166200. Disease mechanism: loss of function.

Allele frequency attached by ClinVar (database versions not stated): TOPMed below 0.00001.
gnomAD v4.1: 3 of 1,613,946 alleles (0.00019%); highest among the groups gnomAD compares: Non-Finnish European, 0.000085%; no homozygotes.

Submissions (4):

GeneDx
Classification: Uncertain significance. Last evaluated: 2026-04-07. Review status: criteria provided, single submitter. Criteria: GeneDx Variant Classification Process June 2021. Collection method: clinical testing. Allele origin: germline.
Comment: Not observed at significant frequency in large population cohorts (gnomAD); In silico analysis suggests that this missense variant does not alter protein structure/function; Has not been previously published as pathogenic or benign to our knowledge

Mayo Clinic Laboratories, Mayo Clinic
Classification: Uncertain significance. Last evaluated: 2024-07-09. Review status: criteria provided, single submitter. Criteria: ACMG Guidelines, 2015. Collection method: clinical testing. Allele origin: germline. Observed: 1 variant allele.
Comment: PP2, PM2

Labcorp Genetics (formerly Invitae), Labcorp
Classification: Uncertain significance for Osteogenesis imperfecta type I. Last evaluated: 2024-03-13. Review status: criteria provided, single submitter. Criteria: Invitae Variant Classification Sherloc (09022015). Collection method: clinical testing. Allele origin: germline.
Comment: This sequence change replaces alanine, which is neutral and non-polar, with valine, which is neutral and non-polar, at codon 402 of the COL1A1 protein (p.Ala402Val). This variant is not present in population databases (gnomAD no frequency). This variant has not been reported in the literature in individuals affected with COL1A1-related conditions. Advanced modeling of protein sequence and biophysical properties (such as structural, functional, and spatial information, amino acid conservation, physicochemical variation, residue mobility, and thermodynamic stability) has been performed at Invitae for this missense variant, however the output from this modeling did not meet the statistical confidence thresholds required to predict the impact of this variant on COL1A1 protein function. In summary, the available evidence is currently insufficient to determine the role of this variant in disease. Therefore, it has been classified as a Variant of Uncertain Significance.

Blueprint Genetics
Classification: Uncertain significance. Last evaluated: 2022-11-23. Review status: criteria provided, single submitter. Criteria: ACMG Guidelines, 2015. Collection method: clinical testing. Allele origin: germline.

NM_000088.4(COL1A1):c.1205C>T (p.Ala402Val)

Gene: COL1A1 (collagen type I alpha 1 chain; minus strand). Cytogenetic location: 17q21.33.
Variant type: single nucleotide variant.
Coding change: c.1205C>T on transcript NM_000088.4 (MANE Select); coding-DNA position 1205, C replaced by T.
Protein change: p.Ala402Val; replaces alanine 402 with valine.
Molecular consequence: missense variant.
Genome position (GRCh38, 1-based): chr17:50,195,326, G>A on the plus strand (C>T on the coding strand, the complement: COL1A1 is on the minus strand). VCF-style: chr17-50195326-G-A. GRCh37 (hg19) VCF-style: chr17-48272687-G-A.
Other names: p.Ala402Val; short protein forms A402V.
Identifiers: ClinVar variation 2890600 (VCV002890600.6), dbSNP rs1846111513, ClinGen allele CA400218965.